The following is an entry in ClinVar:

NC_000023.10:g.(?_32563266)_(32717420_?)del

Gene: DMD (dystrophin; minus strand). Cytogenetic location: Xp21.1.
Variant type: Deletion.
Identifiers: ClinVar variation 1456706 (VCV001456706.1).

ClinVar aggregate classification (germline): Pathogenic (1 of 4 stars; one submission).

Conditions:
Duchenne muscular dystrophy (DMD). Also called: Duchenne Muscular Dystrophy (DMD); MUSCULAR DYSTROPHY, PSEUDOHYPERTROPHIC PROGRESSIVE, DUCHENNE TYPE. Identifiers: Orphanet 98896, MedGen C0013264, MONDO:0010679, OMIM 310200.

Submission:

Labcorp Genetics (formerly Invitae), Labcorp
Classification: Pathogenic for Duchenne muscular dystrophy. Last evaluated: 2021-01-05. Review status: criteria provided, single submitter. Criteria: Invitae Variant Classification Sherloc (09022015). Collection method: clinical testing. Allele origin: germline.
Comment: This variant is a gross deletion of the genomic region encompassing exon(s) 8-17 of the DMD gene. This deletion is out-of-frame, and is expected to create a premature translational stop signal and result in an absent or disrupted protein product. Loss-of-function variants in DMD are known to be pathogenic (PMID: 16770791, 25007885). This variant has been observed in individual(s) with Duchenne muscular dystrophy (PMID: 14977063. For these reasons, this variant has been classified as Pathogenic.

Literature cited by the submitters: PubMed 16770791; PubMed 25007885.